The following is an entry in ClinVar:

ClinVar aggregate classification (germline): Uncertain significance (1 of 4 stars; one submission).

Conditions:
Desmin-related myofibrillar myopathy (MFM1). Also called: Desminopathy; Desmin related myopathy (former name); Desmin storage myopathy (former name); Myofibrillar myopathy 1; MYOFIBRILLAR MYOPATHY WITH ARRHYTHMOGENIC RIGHT VENTRICULAR CARDIOMYOPATHY; DESMIN-RELATED MYOPATHY WITH ARRHYTHMOGENIC RIGHT VENTRICULAR CARDIOMYOPATHY. Identifiers: Orphanet 363543, Orphanet 98909, MedGen C1832370, MONDO:0011076, OMIM 601419.

Submission:

Labcorp Genetics (formerly Invitae), Labcorp
Classification: Uncertain significance for Desmin-related myofibrillar myopathy. Last evaluated: 2025-08-31. Review status: criteria provided, single submitter. Criteria: Invitae Variant Classification Sherloc (09022015). Collection method: clinical testing. Allele origin: germline.
Comment: This sequence change replaces glutamic acid, which is acidic and polar, with glycine, which is neutral and non-polar, at codon 412 of the DES protein (p.Glu412Gly). This variant is not present in population databases (gnomAD no frequency). This variant has not been reported in the literature in individuals affected with DES-related conditions. Invitae Evidence Modeling of protein sequence and biophysical properties (such as structural, functional, and spatial information, amino acid conservation, physicochemical variation, residue mobility, and thermodynamic stability) has been performed for this missense variant. However, the output from this modeling did not meet the statistical confidence thresholds required to predict the impact of this variant on DES protein function. In summary, the available evidence is currently insufficient to determine the role of this variant in disease. Therefore, it has been classified as a Variant of Uncertain Significance.

NM_001927.4(DES):c.1235A>G (p.Glu412Gly)

Gene: DES (desmin; plus strand). Cytogenetic location: 2q35.
Variant type: single nucleotide variant.
Coding change: c.1235A>G on transcript NM_001927.4 (MANE Select); coding-DNA position 1235, A replaced by G.
Protein change: p.Glu412Gly; replaces glutamic acid 412 with glycine.
Molecular consequence: missense variant.
Genome position (GRCh38, 1-based): chr2:219,421,551, A>G. VCF-style: chr2-219421551-A-G. GRCh37 (hg19) VCF-style: chr2-220286273-A-G.
Other names: c.1232A>G, p.Glu411Gly (NM_001382708.1); c.803A>G, p.Glu268Gly (NM_001382709.1); c.1166A>G, p.Glu389Gly (NM_001382710.1); c.1214A>G, p.Glu405Gly (NM_001382711.1); c.1235A>G, p.Glu412Gly (NM_001382712.1); c.965A>G, p.Glu322Gly (NM_001382713.1); short protein forms E389G, E322G, E411G, E412G, E268G, E405G.
Identifiers: ClinVar variation 4791828 (VCV004791828.1).